The following is an entry in ClinVar:

ClinVar aggregate classification (germline): Uncertain significance. Review status: criteria provided, multiple submitters, no conflicts (2 of 4 stars). 2 submissions from 2 submitters: Uncertain significance (2). Last evaluated 2025-10-22.

Conditions:
Inborn genetic diseases. Identifiers: MedGen C0950123, MeSH D030342.
COG5-congenital disorder of glycosylation. Also called: CONGENITAL DISORDER OF GLYCOSYLATION, TYPE IIi; CDG IIi; COG5-CDG. Identifiers: Orphanet 263487, MedGen C3150876, MONDO:0013325, OMIM 613612.

Allele frequency attached by ClinVar (database versions not stated): gnomAD exomes 0.00001 and 0.00003; gnomAD 0.00002.
gnomAD v4.1: 42 of 1,613,230 alleles (0.0026%); highest among the groups gnomAD compares: Non-Finnish European, 0.0033%; no homozygotes.

Submissions (2):

Labcorp Genetics (formerly Invitae), Labcorp
Classification: Uncertain significance for COG5-congenital disorder of glycosylation. Last evaluated: 2025-10-22. Review status: criteria provided, single submitter. Criteria: Invitae Variant Classification Sherloc (09022015). Collection method: clinical testing. Allele origin: germline.
Comment: This sequence change replaces glutamine, which is neutral and polar, with lysine, which is basic and polar, at codon 258 of the COG5 protein (p.Gln258Lys). This variant is present in population databases (no rsID available, gnomAD 0.007%). This variant has not been reported in the literature in individuals affected with COG5-related conditions. ClinVar contains an entry for this variant (Variation ID: 1374069). Invitae Evidence Modeling of protein sequence and biophysical properties (such as structural, functional, and spatial information, amino acid conservation, physicochemical variation, residue mobility, and thermodynamic stability) indicates that this missense variant is not expected to disrupt COG5 protein function with a negative predictive value of 80%. In summary, the available evidence is currently insufficient to determine the role of this variant in disease. Therefore, it has been classified as a Variant of Uncertain Significance.

Ambry Genetics
Classification: Uncertain significance for Inborn genetic diseases. Last evaluated: 2025-06-07. Review status: criteria provided, single submitter. Criteria: Ambry Variant Classification Scheme 2023. Collection method: clinical testing. Allele origin: germline.

NM_006348.5(COG5):c.679C>A (p.Gln227Lys)

Gene: COG5 (component of oligomeric golgi complex 5; minus strand). Cytogenetic location: 7q22.3.
Variant type: single nucleotide variant.
Coding change: c.679C>A on transcript NM_006348.5 (MANE Select); coding-DNA position 679, C replaced by A.
Protein change: p.Gln227Lys; replaces glutamine 227 with lysine.
Molecular consequence: missense variant. On other transcripts: intron variant (2).
Genome position (GRCh38, 1-based): chr7:107,372,751, G>T on the plus strand (C>A on the coding strand, the complement: COG5 is on the minus strand). VCF-style: chr7-107372751-G-T. GRCh37 (hg19) VCF-style: chr7-107013196-G-T.
Other names: c.679C>A, p.Gln227Lys (NM_001161520.2, NM_001379511.1, NM_001379512.1 and 3 more transcripts); c.235-10641C>A (NM_001379516.1); c.539-74405C>A (NM_001379515.1); c.772C>A (NM_006348.3); short protein forms Q227K.
Identifiers: ClinVar variation 1374069 (VCV001374069.7), dbSNP rs969075609, ClinGen allele CA164705215.